The following is an entry in ClinVar:

NM_001854.4(COL11A1):c.4883A>C (p.Gln1628Pro)

Gene: COL11A1 (collagen type XI alpha 1 chain; minus strand). Cytogenetic location: 1p21.1.
Variant type: single nucleotide variant.
Coding change: c.4883A>C on transcript NM_001854.4 (MANE Select); coding-DNA position 4883, A replaced by C.
Protein change: p.Gln1628Pro; replaces glutamine 1628 with proline.
Molecular consequence: missense variant. On other transcripts: non-coding transcript variant (1).
Genome position (GRCh38, 1-based): chr1:102,883,287, T>G on the plus strand (A>C on the coding strand, the complement: COL11A1 is on the minus strand). VCF-style: chr1-102883287-T-G. GRCh37 (hg19) VCF-style: chr1-103348843-T-G.
Other names: c.4919A>C, p.Gln1640Pro (NM_080629.3); c.4535A>C, p.Gln1512Pro (NM_080630.4); c.4766A>C, p.Gln1589Pro (NM_001190709.2); short protein forms Q1512P, Q1640P, Q1628P, Q1589P.
Identifiers: ClinVar variation 3684017 (VCV003684017.2).
Genomic context (GRCh38, chr1:102,883,287, plus strand): 5'-CAAGTCTCACCACCAGATGTGAAATTACAGTAAACTTTGAAGGAATCTCCTGAGCAACCT[T>G]GGTTAGGATCAATCCAATATTCACCTAGAAGGTAGCAAAAAATATGTCATATAAAAATTC-3'
Protein context (NP_001845.3, residues 1618-1638): PDGEYWIDPN[Gln1628Pro]GCSGDSFKVY

ClinVar aggregate classification (germline): Uncertain significance (1 of 4 stars; one submission).

gnomAD v4.1: 1 of 1,613,152 alleles (0.000062%); highest among the groups gnomAD compares: Non-Finnish European, 0.000085%; no homozygotes.

Submission:

Labcorp Genetics (formerly Invitae), Labcorp
Classification: Uncertain significance. Last evaluated: 2024-04-01. Review status: criteria provided, single submitter. Criteria: Invitae Variant Classification Sherloc (09022015). Collection method: clinical testing. Allele origin: germline.
Comment: This sequence change replaces glutamine, which is neutral and polar, with proline, which is neutral and non-polar, at codon 1628 of the COL11A1 protein (p.Gln1628Pro). This variant is not present in population databases (gnomAD no frequency). This variant has not been reported in the literature in individuals affected with COL11A1-related conditions. Advanced modeling of protein sequence and biophysical properties (such as structural, functional, and spatial information, amino acid conservation, physicochemical variation, residue mobility, and thermodynamic stability) has been performed at Invitae for this missense variant, however the output from this modeling did not meet the statistical confidence thresholds required to predict the impact of this variant on COL11A1 protein function. In summary, the available evidence is currently insufficient to determine the role of this variant in disease. Therefore, it has been classified as a Variant of Uncertain Significance.